The following is an entry in ClinVar:

ClinVar aggregate classification (germline): Uncertain significance (1 of 4 stars; one submission).

Conditions:
Brugada syndrome 8 (BRGDA8). Identifiers: Orphanet 130, MedGen C2751083, MONDO:0013148, OMIM 613123.

Submission:

Labcorp Genetics (formerly Invitae), Labcorp
Classification: Uncertain significance for Brugada syndrome 8. Last evaluated: 2023-11-10. Review status: criteria provided, single submitter. Criteria: Invitae Variant Classification Sherloc (09022015). Collection method: clinical testing. Allele origin: germline.
Comment: This sequence change replaces valine, which is neutral and non-polar, with glycine, which is neutral and non-polar, at codon 899 of the HCN4 protein (p.Val899Gly). This variant is not present in population databases (gnomAD no frequency). This variant has not been reported in the literature in individuals affected with HCN4-related conditions. Advanced modeling of protein sequence and biophysical properties (such as structural, functional, and spatial information, amino acid conservation, physicochemical variation, residue mobility, and thermodynamic stability) performed at Invitae indicates that this missense variant is not expected to disrupt HCN4 protein function with a negative predictive value of 95%. In summary, the available evidence is currently insufficient to determine the role of this variant in disease. Therefore, it has been classified as a Variant of Uncertain Significance.

NM_005477.3(HCN4):c.2696T>G (p.Val899Gly)

Gene: HCN4 (hyperpolarization activated cyclic nucleotide gated potassium channel 4; minus strand). Cytogenetic location: 15q24.1.
Variant type: single nucleotide variant.
Coding change: c.2696T>G on transcript NM_005477.3 (MANE Select); coding-DNA position 2696, T replaced by G.
Protein change: p.Val899Gly; replaces valine 899 with glycine.
Molecular consequence: missense variant.
Genome position (GRCh38, 1-based): chr15:73,323,397, A>C on the plus strand (T>G on the coding strand, the complement: HCN4 is on the minus strand). VCF-style: chr15-73323397-A-C. GRCh37 (hg19) VCF-style: chr15-73615738-A-C.
Other names: short protein forms V899G.
Identifiers: ClinVar variation 2915014 (VCV002915014.3), dbSNP rs2151214497, ClinGen allele CA393088376.